The following is an entry in ClinVar:

NM_005732.4(RAD50):c.710C>T (p.Ser237Leu)

Gene: RAD50 (RAD50 double strand break repair protein; plus strand). Cytogenetic location: 5q31.1.
Variant type: single nucleotide variant.
Coding change: c.710C>T on transcript NM_005732.4 (MANE Select); coding-DNA position 710, C replaced by T.
Protein change: p.Ser237Leu; replaces serine 237 with leucine.
Molecular consequence: missense variant.
Genome position (GRCh38, 1-based): chr5:132,580,020, C>T. VCF-style: chr5-132580020-C-T. GRCh37 (hg19) VCF-style: chr5-131915712-C-T.
Other names: short protein forms S237L.
Identifiers: ClinVar variation 652153 (VCV000652153.16), dbSNP rs768070702, ClinGen allele CA3405015.
Genomic context (GRCh38, chr5:132,580,020, plus strand): 5'-AGGAAAAAGCTTGTGAGATTCGTGATCAGATTACAAGTAAGGAAGCCCAGTTAACATCTT[C>T]AAAGGAAATTGTCAAATCCTATGAGAATGAACTTGATCCATTGAAGGTAACTTGATTTTA-3'
Protein context (NP_005723.2, residues 227-247): ITSKEAQLTS[Ser237Leu]KEIVKSYENE

ClinVar aggregate classification (germline): Uncertain significance. Review status: criteria provided, multiple submitters, no conflicts (2 of 4 stars). 2 submissions from 2 submitters: Uncertain significance (2). Last evaluated 2025-07-03.

Conditions:
Hereditary cancer-predisposing syndrome. Also called: Neoplastic Syndromes, Hereditary; Tumor predisposition; Hereditary Cancer Syndrome; Hereditary neoplastic syndrome. Identifiers: Orphanet 140162, MedGen C0027672, MeSH D009386, MONDO:0015356.

Allele frequency attached by ClinVar (database versions not stated): gnomAD exomes below 0.00001 and 0.00001; ExAC 0.00001.
gnomAD v4.1: 1 of 1,613,488 alleles (0.000062%); highest among the groups gnomAD compares: Admixed American, 0.0017%; no homozygotes.

Submissions (2):

Ambry Genetics
Classification: Uncertain significance for Hereditary cancer-predisposing syndrome. Last evaluated: 2025-07-03. Review status: criteria provided, single submitter. Criteria: Ambry Variant Classification Scheme 2023. Collection method: clinical testing. Allele origin: germline.
Comment: The p.S237L variant (also known as c.710C>T), located in coding exon 5 of the RAD50 gene, results from a C to T substitution at nucleotide position 710. The serine at codon 237 is replaced by leucine, an amino acid with dissimilar properties. This amino acid position is highly conserved in available vertebrate species. In addition, the in silico prediction for this alteration is inconclusive. Since supporting evidence is limited at this time, the clinical significance of this alteration remains unclear.

Labcorp Genetics (formerly Invitae), Labcorp
Classification: Uncertain significance for Hereditary cancer-predisposing syndrome. Last evaluated: 2022-05-22. Review status: criteria provided, single submitter. Criteria: Invitae Variant Classification Sherloc (09022015). Collection method: clinical testing. Allele origin: germline.
Comment: Algorithms developed to predict the effect of missense changes on protein structure and function are either unavailable or do not agree on the potential impact of this missense change (SIFT: "Tolerated"; PolyPhen-2: "Possibly Damaging"; Align-GVGD: "Class C0"). ClinVar contains an entry for this variant (Variation ID: 652153). This variant has not been reported in the literature in individuals affected with RAD50-related conditions. This variant is present in population databases (rs768070702, gnomAD 0.003%). This sequence change replaces serine, which is neutral and polar, with leucine, which is neutral and non-polar, at codon 237 of the RAD50 protein (p.Ser237Leu). In summary, the available evidence is currently insufficient to determine the role of this variant in disease. Therefore, it has been classified as a Variant of Uncertain Significance.